The following is an entry in ClinVar:

NM_000243.3(MEFV):c.422G>T (p.Ser141Ile)

Gene: MEFV (MEFV innate immunity regulator, pyrin; minus strand). Cytogenetic location: 16p13.3.
Variant type: single nucleotide variant.
Coding change: c.422G>T on transcript NM_000243.3 (MANE Select); coding-DNA position 422, G replaced by T.
Protein change: p.Ser141Ile; replaces serine 141 with isoleucine.
Molecular consequence: missense variant. On other transcripts: intron variant (1).
Genome position (GRCh38, 1-based): chr16:3,254,646, C>A on the plus strand (G>T on the coding strand, the complement: MEFV is on the minus strand). VCF-style: chr16-3254646-C-A. GRCh37 (hg19) VCF-style: chr16-3304646-C-A.
Other names: c.277+1665G>T (NM_001198536.2); short protein forms S141I.
Identifiers: ClinVar variation 97522 (VCV000097522.9), dbSNP rs104895130, ClinGen allele CA280601.

ClinVar aggregate classification (germline): Conflicting classifications of pathogenicity. Review status: criteria provided, conflicting classifications (1 of 4 stars). 7 submissions from 5 submitters: Uncertain significance (3); Benign (2); Likely benign (1). 1 of the submissions does not count toward it. Last evaluated 2026-01-26.

Conditions:
Acute febrile neutrophilic dermatosis (AFND). Also called: Gomm Button disease; Sweet Syndrome. Identifiers: Orphanet 3243, MedGen C0085077, MONDO:0011959, OMIM 608068.
Familial Mediterranean fever, autosomal dominant. Also called: FMF, AUTOSOMAL DOMINANT; Dominant Familial Mediterranean Fever. Identifiers: Orphanet 342, MedGen C1851347, MONDO:0007601, OMIM 134610.
Familial Mediterranean fever (FMF). Also called: POLYSEROSITIS, FAMILIAL PAROXYSMAL; POLYSEROSITIS, RECURRENT; Periodic peritonitis; Benign paroxysmal peritonitis. Identifiers: Orphanet 342, MedGen C0031069, MONDO:0018088, OMIM 249100. Disease mechanism: gain of function.

Allele frequency attached by ClinVar (database versions not stated): gnomAD 0.00001; ExAC 0.00002; gnomAD exomes 0.00001; TOPMed 0.00002.
gnomAD v4.1: 13 of 1,608,092 alleles (0.00081%); highest among the groups gnomAD compares: Admixed American, 0.0017%; no homozygotes.

Submissions (7):

Labcorp Genetics (formerly Invitae), Labcorp
Classification: Uncertain significance for Familial Mediterranean fever. Last evaluated: 2026-01-26. Review status: criteria provided, single submitter. Criteria: Invitae Variant Classification Sherloc (09022015). Collection method: clinical testing. Allele origin: germline.
Comment: This sequence change replaces serine, which is neutral and polar, with isoleucine, which is neutral and non-polar, at codon 141 of the MEFV protein (p.Ser141Ile). This variant is present in population databases (rs104895130, gnomAD 0.002%). This missense change has been observed in individual(s) with familial Mediterranean fever (PMID: 21413889, 22190688, 23463692, 32359823). ClinVar contains an entry for this variant (Variation ID: 97522). An algorithm developed to predict the effect of missense changes on protein structure and function (PolyPhen-2) suggests that this variant is likely to be tolerated. In summary, the available evidence is currently insufficient to determine the role of this variant in disease. Therefore, it has been classified as a Variant of Uncertain Significance.

Genome-Nilou Lab
Classification: Likely benign for Familial Mediterranean fever. Last evaluated: 2023-02-08. Review status: criteria provided, single submitter. Criteria: ACMG Guidelines, 2015. Collection method: clinical testing. Allele origin: germline.

Genome-Nilou Lab
Classification: Benign for Familial Mediterranean fever, autosomal dominant. Last evaluated: 2023-02-08. Review status: criteria provided, single submitter. Criteria: ACMG Guidelines, 2015. Collection method: clinical testing. Allele origin: germline.

Genome-Nilou Lab
Classification: Benign for Acute febrile neutrophilic dermatosis. Last evaluated: 2023-02-08. Review status: criteria provided, single submitter. Criteria: ACMG Guidelines, 2015. Collection method: clinical testing. Allele origin: germline.

Women's Health and Genetics/Laboratory Corporation of America, LabCorp
Classification: Uncertain significance. Last evaluated: 2022-12-02. Review status: criteria provided, single submitter. Criteria: LabCorp Variant Classification Summary - May 2015. Collection method: clinical testing. Allele origin: germline.
Comment: Variant summary: MEFV c.422G>T (p.Ser141Ile) results in a non-conservative amino acid change in the encoded protein sequence. Three of five in-silico tools predict a benign effect of the variant on protein function. The variant allele was found at a frequency of 1.2e-05 in 241536 control chromosomes. The available data on variant occurrences in the general population are insufficient to allow any conclusion about variant significance. c.422G>T has been reported in the literature in individuals affected with Familial Mediterranean Fever and hereditary recurrent fever syndromes, particularly in patient cohorts of Turkish origin (e.g. Berdeli_2011, Simsek_2011, Kalkan_2012, Lainka_2012, Kirino_2013, Papa_2017, Accetturo_2020, Celiksoy_2020) . These data do not allow any conclusion about variant significance. To our knowledge, no experimental evidence demonstrating an impact on protein function has been reported. Two clinical diagnostic laboratories have submitted clinical-significance assessments for this variant to ClinVar after 2014 without evidence for independent evaluation. All laboratories classified the variant as uncertain significance. In 2018, the experts international study group for systemic autoinflammatory diseases (INSAID) reported a 'provisional' classification of likely benign for the variant (Van Gijn_2018). Based on the evidence outlined above, the variant was classified as uncertain significance.

Mendelics
Classification: Uncertain significance for Familial Mediterranean fever. Last evaluated: 2019-05-28. Review status: criteria provided, single submitter. Criteria: Mendelics Assertion Criteria 2017. Collection method: clinical testing. Allele origin: unknown.

Unité médicale des maladies autoinflammatoires, CHRU Montpellier
No classification provided. Condition: Familial Mediterranean fever. Review status: no classification provided. Collection method: not provided. Allele origin: unknown. Not counted in ClinVar's aggregate classification.

Literature cited by the submitters: PubMed 21413889 (cited by Labcorp Genetics (formerly Invitae), Labcorp and Women's Health and Genetics/Laboratory Corporation of America, LabCorp); PubMed 22190688 (cited by Labcorp Genetics (formerly Invitae), Labcorp and Women's Health and Genetics/Laboratory Corporation of America, LabCorp); PubMed 23463692 (cited by Labcorp Genetics (formerly Invitae), Labcorp and Women's Health and Genetics/Laboratory Corporation of America, LabCorp); PubMed 32359823 (cited by Labcorp Genetics (formerly Invitae), Labcorp and Women's Health and Genetics/Laboratory Corporation of America, LabCorp); PubMed 20645115 (cited by Women's Health and Genetics/Laboratory Corporation of America, LabCorp); PubMed 22903357 (cited by Women's Health and Genetics/Laboratory Corporation of America, LabCorp); PubMed 23633568 (cited by Women's Health and Genetics/Laboratory Corporation of America, LabCorp); PubMed 29047407 (cited by Women's Health and Genetics/Laboratory Corporation of America, LabCorp); PubMed 29599418 (cited by Women's Health and Genetics/Laboratory Corporation of America, LabCorp); PubMed 31411330 (cited by Women's Health and Genetics/Laboratory Corporation of America, LabCorp).